The following is an entry in ClinVar:

NM_003060.4(SLC22A5):c.1053-3_1053-2delinsTC

Gene: SLC22A5 (solute carrier family 22 member 5; plus strand). Cytogenetic location: 5q31.1.
Variant type: Indel.
Coding change: c.1053-3_1053-2delinsTC on transcript NM_003060.4 (MANE Select); 3 bases into the intron before coding-DNA position 1053 through the canonical splice acceptor site of the intron before coding-DNA position 1053, CA replaced by TC.
Molecular consequence: splice acceptor variant.
Genome position (GRCh38, 1-based): chr5:132,390,687-132,390,688, CA replaced by TC. VCF-style: chr5-132390687-CA-TC. GRCh37 (hg19) VCF-style: chr5-131726379-CA-TC.
Other names: c.1125-3_1125-2delinsTC (NM_001308122.2).
Identifiers: ClinVar variation 280829 (VCV000280829.2), dbSNP rs886041967, ClinGen allele CA10602928.

ClinVar aggregate classification (germline): Pathogenic (1 of 4 stars; one submission).

Submission:

GeneDx
Classification: Pathogenic. Last evaluated: 2016-08-31. Review status: criteria provided, single submitter. Criteria: GeneDx Variant Classification (06012015). Collection method: clinical testing. Allele origin: germline. Affected: yes.
Comment: The c.1053-3_1053-2delCAinsTC variant in the SLC22A5 gene destroys the canonical splice acceptor site in intron 6. It is predicted to cause abnormal gene splicing, either leading to an abnormal message that is subject to nonsense-mediated mRNA decay, or to an abnormal protein product if the message is used for protein translation. The c.1053-3_1053-2delCAinsTC variant was not observed in approximately 6500 individuals of European and African American ancestry in the NHLBI Exome Sequencing Project, indicating it is not a common benign variant in these populations. We interpret c.1053-3_1053-2delCAinsTC to be a pathogenic variant.